The following is an entry in ClinVar:

ClinVar aggregate classification (germline): Conflicting classifications of pathogenicity. Review status: criteria provided, conflicting classifications (1 of 4 stars). 3 submissions from 3 submitters: Uncertain significance (1); Likely benign (1). 1 of the submissions does not count toward it. Last evaluated 2025-01-06.

Conditions:
Familial temporal lobe epilepsy 7. Identifiers: Orphanet 101046, MedGen C4225327, MONDO:0014639, OMIM 616436.
Norman-Roberts syndrome (LIS2). Also called: Lissencephaly 2 (Norman-Roberts type). Identifiers: Orphanet 89844, MedGen C0796089, MONDO:0009760, OMIM 257320.
RELN-related disorder. Also called: RELN-related condition.

Allele frequency attached by ClinVar (database versions not stated): ExAC 0.00002; gnomAD exomes 0.00002; ESP Exome Variant Server 0.00008; gnomAD 0.00011 and 0.00013; TOPMed 0.00011.
gnomAD v4.1: 27 of 1,613,990 alleles (0.0017%); highest among the groups gnomAD compares: African/African-American, 0.032%; no homozygotes.

Submissions (3):

Labcorp Genetics (formerly Invitae), Labcorp
Classification: Likely benign for Familial temporal lobe epilepsy 7; Norman-Roberts syndrome. Last evaluated: 2025-01-06. Review status: criteria provided, single submitter. Criteria: Invitae Variant Classification Sherloc (09022015). Collection method: clinical testing. Allele origin: germline.

Eurofins Ntd Llc (ga)
Classification: Uncertain significance. Last evaluated: 2017-10-30. Review status: criteria provided, single submitter. Criteria: EGL Classification Definitions 2015. Collection method: clinical testing. Allele origin: germline. Observed: 1 variant allele, 1 heterozygote.

PreventionGenetics, part of Exact Sciences
Classification: Likely benign for RELN-related condition. Last evaluated: 2019-12-16. Review status: no assertion criteria provided. Collection method: clinical testing. Allele origin: germline. Not counted in ClinVar's aggregate classification.
Comment: This variant is classified as likely benign based on ACMG/AMP sequence variant interpretation guidelines (Richards et al. 2015 PMID: 25741868, with internal and published modifications).

NM_005045.4(RELN):c.8634A>G (p.Ser2878=)

Genes: SLC26A5-AS1 (SLC26A5 antisense RNA 1; plus strand), RELN (reelin; minus strand). Cytogenetic location: 7q22.1.
Variant type: single nucleotide variant.
Coding change: c.8634A>G on transcript NM_005045.4 (MANE Select); coding-DNA position 8634, A replaced by G.
Protein change: p.Ser2878=; no amino-acid change (serine 2878 retained).
Molecular consequence: synonymous variant.
Genome position (GRCh38, 1-based): chr7:103,500,778, T>C on the plus strand (A>G on the coding strand, the complement: RELN is on the minus strand). VCF-style: chr7-103500778-T-C. GRCh37 (hg19) VCF-style: chr7-103141225-T-C.
Other names: c.8634A>G (NM_005045.3); c.8634A>G, p.Ser2878= (NM_173054.3).
Identifiers: ClinVar variation 594573 (VCV000594573.15), dbSNP rs377429197, ClinGen allele CA4420444.